The following is an entry in ClinVar:

ClinVar aggregate classification (germline): Likely pathogenic (1 of 4 stars; one submission).

Conditions:
Galactosylceramide beta-galactosidase deficiency. Also called: GALACTOCEREBROSIDASE DEFICIENCY; GALC DEFICIENCY; GLOBOID CELL LEUKOENCEPHALOPATHY; Leukodystrophy, Globoid Cell; Krabbe Disease. Identifiers: Orphanet 487, MedGen C0023521, MONDO:0009499, OMIM 245200.

Submission:

Myriad Genetics, Inc.
Classification: Likely pathogenic for Galactosylceramide beta-galactosidase deficiency. Last evaluated: 2022-05-18. Review status: criteria provided, single submitter. Criteria: Myriad Women's Health Autosomal Recessive and X-Linked Classification Criteria (2021). Collection method: clinical testing. Allele origin: unknown.
Comment: NM_000153.3(GALC):c.1437dupT(P480Sfs*12) is expected to be pathogenic in the context of Krabbe disease. This variant is predicted to lead to an abnormal or absent protein product due to the creation of a premature termination codon in GALC, a gene where loss-of-function variants are known to be pathogenic. Please note: this variant was assessed in the context of healthy population screening.

NM_000153.4(GALC):c.1437dup (p.Pro480fs)

Gene: GALC (galactosylceramidase; minus strand). Cytogenetic location: 14q31.3.
Variant type: Duplication.
Coding change: c.1437dup on transcript NM_000153.4 (MANE Select); coding-DNA position 1437, one base duplicated (T; older notation c.1437dupT).
Protein change: p.Pro480fs; shifts the reading frame from proline 480.
Molecular consequence: frameshift variant.
Genome position (GRCh38, 1-based): chr14:87,947,780, A duplicated on the plus strand (T on the coding strand, the reverse complement: GALC is on the minus strand); the first of 2 consecutive A bases (chr14:87,947,780-87,947,781); duplicating either gives the same sequence. VCF-style (leftmost placement, unchanged base first): chr14-87947779-G-GA. GRCh37 (hg19) VCF-style: chr14-88414123-G-GA.
Other names: c.1368dup, p.Pro457fs (NM_001201401.2); c.1359dup, p.Pro454fs (NM_001201402.2); short protein forms P454fs, P457fs, P480fs.
Identifiers: ClinVar variation 1726116 (VCV001726116.2), dbSNP rs2503362772, ClinGen allele CA2580088870.